The following is an entry in ClinVar:

NM_152703.5(SAMD9L):c.2724C>A (p.Ile908=)

Gene: SAMD9L (sterile alpha motif domain containing 9 like; minus strand). Cytogenetic location: 7q21.2.
Variant type: single nucleotide variant.
Coding change: c.2724C>A on transcript NM_152703.5 (MANE Select); coding-DNA position 2724, C replaced by A.
Protein change: p.Ile908=; no amino-acid change (isoleucine 908 retained).
Molecular consequence: synonymous variant.
Genome position (GRCh38, 1-based): chr7:93,133,248, G>T on the plus strand (C>A on the coding strand, the complement: SAMD9L is on the minus strand). VCF-style: chr7-93133248-G-T. GRCh37 (hg19) VCF-style: chr7-92762561-G-T.
Other names: p.Ile908=; c.2724C>A, p.Ile908= (NM_001303496.3, NM_001303497.3, NM_001303498.3 and 5 more transcripts); c.2724C>A (NM_152703.2).
Identifiers: ClinVar variation 1547088 (VCV001547088.12), dbSNP rs190928056, ClinGen allele CA4343551.
Genomic context (GRCh38, chr7:93,133,248, plus strand): 5'-GAGTAAAGCCAGGAAGGAAATGAGTTGTGCTTCCTTGCTGTCAACATCCTGTCCTTTTAG[G>T]ATATTCCTGACTACATTTTCTATATATGTTTCATCAAAATTGCTTTTCATGATCATGAAG-3'
Protein context (NP_689916.2, residues 898-918): ETYIENVVRN[Ile908=]LKGQDVDSKE

ClinVar aggregate classification (germline): Benign/Likely benign. Review status: criteria provided, multiple submitters, no conflicts (2 of 4 stars). 5 submissions from 5 submitters: Benign (2); Likely benign (3). Last evaluated 2026-01-26.

Conditions:
Inborn genetic diseases. Identifiers: MedGen C0950123, MeSH D030342.

Allele frequency attached by ClinVar (database versions not stated): ESP Exome Variant Server 0.00008; TOPMed 0.00008; 1000 Genomes Project 30x 0.00031; 1000 Genomes Project 0.00040; gnomAD 0.00042 and 0.00047; gnomAD exomes 0.00072; ExAC 0.00075.
gnomAD v4.1: 526 of 1,613,128 alleles (0.033%); highest among the groups gnomAD compares: Non-Finnish European, 0.014%; no homozygotes.

Submissions (5):

Labcorp Genetics (formerly Invitae), Labcorp
Classification: Benign. Last evaluated: 2026-01-26. Review status: criteria provided, single submitter. Criteria: Invitae Variant Classification Sherloc (09022015). Collection method: clinical testing. Allele origin: germline.

Mayo Clinic Laboratories, Mayo Clinic
Classification: Likely benign. Last evaluated: 2025-09-25. Review status: criteria provided, single submitter. Criteria: ACMG Guidelines, 2015. Collection method: clinical testing. Allele origin: germline. Observed: 1 variant allele.
Comment: BS1, BP4, BP7

Laboratory of Genetics, Children's Clinical University Hospital Latvia
Classification: Benign. Last evaluated: 2025-02-16. Review status: criteria provided, single submitter. Criteria: ACMG Guidelines, 2015. Collection method: clinical testing. Allele origin: germline. Affected: yes.

Ambry Genetics
Classification: Likely benign for Inborn genetic diseases. Last evaluated: 2024-11-23. Review status: criteria provided, single submitter. Criteria: Ambry Variant Classification Scheme 2023. Collection method: clinical testing. Allele origin: germline.

Blueprint Genetics
Classification: Likely benign. Last evaluated: 2024-09-30. Review status: criteria provided, single submitter. Criteria: ACMG Guidelines, 2015. Collection method: clinical testing. Allele origin: germline.